The following is an entry in ClinVar:

ClinVar aggregate classification (germline): Uncertain significance (1 of 4 stars; one submission).

Conditions:
COACH syndrome 1. Identifiers: Orphanet 1454, MedGen C5435651, MONDO:0800103, OMIM 216360, MONDO:0008996.

Allele frequency attached by ClinVar (database versions not stated): gnomAD exomes 0.00001.

Submission:

Baylor Genetics
Classification: Uncertain significance for COACH syndrome 1. Last evaluated: 2019-07-04. Review status: criteria provided, single submitter. Criteria: ACMG Guidelines, 2015. Collection method: clinical testing. Allele origin: unknown. Affected: yes.
Comment: This variant was determined to be of uncertain significance according to ACMG Guidelines, 2015 [PMID:25741868].

NM_015272.5(RPGRIP1L):c.1505A>T (p.His502Leu)

Gene: RPGRIP1L (RPGRIP1 like; minus strand). Cytogenetic location: 16q12.2.
Variant type: single nucleotide variant.
Coding change: c.1505A>T on transcript NM_015272.5 (MANE Select); coding-DNA position 1505, A replaced by T.
Protein change: p.His502Leu; replaces histidine 502 with leucine.
Molecular consequence: missense variant.
Genome position (GRCh38, 1-based): chr16:53,657,529, T>A on the plus strand (A>T on the coding strand, the complement: RPGRIP1L is on the minus strand). VCF-style: chr16-53657529-T-A. GRCh37 (hg19) VCF-style: chr16-53691441-T-A.
Other names: c.1505A>T, p.His502Leu (NM_001127897.4, NM_001308334.3, NM_001330538.2); short protein forms H502L.
Identifiers: ClinVar variation 1029109 (VCV001029109.1), dbSNP rs976110882, ClinGen allele CA281347012.